The following is an entry in ClinVar:

ClinVar aggregate classification (germline): Pathogenic (1 of 4 stars; one submission).

Submission:

GeneDx
Classification: Pathogenic. Last evaluated: 2019-11-19. Review status: criteria provided, single submitter. Criteria: GeneDx Variant Classification Process June 2021. Collection method: clinical testing. Allele origin: germline. Affected: yes.
Comment: Has not been previously published as pathogenic or benign to our knowledge; Not observed in large population cohorts (Lek et al., 2016); Frameshift variant predicted to result in protein truncation or nonsense mediated decay in a gene for which loss-of-function is a known mechanism of disease

NM_015559.3(SETBP1):c.1329del (p.Met443fs)

Gene: SETBP1 (SET binding protein 1; plus strand). Cytogenetic location: 18q12.3.
Variant type: Deletion.
Coding change: c.1329del on transcript NM_015559.3 (MANE Select); coding-DNA position 1329, one base deleted (G; older notation c.1329delG).
Protein change: p.Met443fs; shifts the reading frame from methionine 443.
Molecular consequence: frameshift variant.
Genome position (GRCh38, 1-based): chr18:44,950,669, G deleted. VCF-style (leftmost placement, unchanged base first): chr18-44950668-TG-T. GRCh37 (hg19) VCF-style: chr18-42530633-TG-T.
Other names: c.1329del, p.Met443fs (NM_001379141.1, NM_001379142.1); short protein forms M443fs.
Identifiers: ClinVar variation 1216789 (VCV001216789.3), dbSNP rs2145097123, ClinGen allele CA2499225146.
Genomic context (GRCh38, chr18:44,950,668, plus strand): 5'-CCATTAAAGCGGTGGTGGAAAAGATCATGCCAGAGAAAGCCTTGGCTTCTGGAATCACCA[TG>T]AGCAGTGAAGTAGTTAACAGGATACTTTCCAACTCTGAGGGGAATAAGAAGGATCCCCGT-3'